The following is an entry in ClinVar:

NM_007194.4(CHEK2):c.547T>C (p.Leu183=)

Gene: CHEK2 (checkpoint kinase 2; minus strand). Cytogenetic location: 22q12.1.
Variant type: single nucleotide variant.
Coding change: c.547T>C on transcript NM_007194.4 (MANE Select); coding-DNA position 547, T replaced by C.
Protein change: p.Leu183=; no amino-acid change (leucine 183 retained).
Molecular consequence: synonymous variant. On other transcripts: 5 prime UTR variant (2), intron variant (1).
Genome position (GRCh38, 1-based): chr22:28,725,022, A>G on the plus strand (T>C on the coding strand, the complement: CHEK2 is on the minus strand). VCF-style: chr22-28725022-A-G. GRCh37 (hg19) VCF-style: chr22-29121010-A-G.
Other names: c.676T>C, p.Leu226= (NM_001005735.3, NM_001438294.1); c.-231T>C (NM_001257387.3); c.-117T>C (NM_001437942.1); c.640T>C, p.Leu214= (NM_001438293.1, NM_001438295.1); c.547T>C, p.Leu183= (NM_145862.3); c.445-99T>C (NM_001349956.3).
Identifiers: ClinVar variation 3772863 (VCV003772863.1).

ClinVar aggregate classification (germline): Benign (1 of 4 stars; one submission).

Conditions:
Familial cancer of breast. Also called: Hereditary breast cancer; BREAST CANCER, FAMILIAL; hereditary breast carcinoma. Identifiers: Orphanet 227535, MedGen C0346153, MONDO:0016419, OMIM 114480. Disease mechanism: loss of function.

Submission:

Myriad Genetics, Inc.
Classification: Benign for Familial cancer of breast. Last evaluated: 2024-10-02. Review status: criteria provided, single submitter. Criteria: Myriad Autosomal Dominant, Autosomal Recessive and X-Linked Classification Criteria (2023). Collection method: clinical testing. Allele origin: unknown.
Comment: This variant is considered benign. This variant is a silent/synonymous amino acid change and it is not expected to impact splicing.